The following is an entry in ClinVar:

ClinVar aggregate classification (germline): Uncertain significance. Review status: criteria provided, multiple submitters, no conflicts (2 of 4 stars). 2 submissions from 2 submitters: Uncertain significance (2). Last evaluated 2025-11-17.

Conditions:
Lateral meningocele syndrome (LMNS). Also called: NOTCH3-Related Lateral Meningocele Syndrome. Identifiers: Orphanet 2789, MedGen C1851710, MONDO:0007537, OMIM 130720.
Inborn genetic diseases. Identifiers: MedGen C0950123, MeSH D030342.

Submissions (2):

3billion
Classification: Uncertain significance for Lateral meningocele syndrome. Last evaluated: 2025-11-17. Review status: criteria provided, single submitter. Criteria: ACMG Guidelines, 2015. Collection method: clinical testing. Allele origin: germline. Affected: yes.
Comment: The variant is not observed in the gnomAD v4.1.0 dataset. Predicted Consequence/Location: Missense variant. Missense changes are a common disease-causing mechanism. In silico tool predictions suggest damaging effect of the variant on gene or gene product [REVEL: 0.81 (>=0.6, sensitivity 0.68 and specificity 0.92); 3Cnet: 0.61 (> 0.75, sensitivity 0.96 and precision 0.92)]. The variant has been reported as of uncertain significance (ClinVar ID: VCV003300503). Different missense changes at the same codon have been reported as of uncertain significance (ClinVar ID: VCV000521738). Therefore, this variant is classified as VUS according to the recommendation of ACMG/AMP guideline.

Ambry Genetics
Classification: Uncertain significance for Inborn genetic diseases. Last evaluated: 2024-06-19. Review status: criteria provided, single submitter. Criteria: Ambry Variant Classification Scheme 2023. Collection method: clinical testing. Allele origin: germline.

NM_000435.3(NOTCH3):c.1231A>T (p.Thr411Ser)

Gene: NOTCH3 (notch receptor 3; minus strand). Cytogenetic location: 19p13.12.
Variant type: single nucleotide variant.
Coding change: c.1231A>T on transcript NM_000435.3 (MANE Select); coding-DNA position 1231, A replaced by T.
Protein change: p.Thr411Ser; replaces threonine 411 with serine.
Molecular consequence: missense variant.
Genome position (GRCh38, 1-based): chr19:15,189,136, T>A on the plus strand (A>T on the coding strand, the complement: NOTCH3 is on the minus strand). VCF-style: chr19-15189136-T-A. GRCh37 (hg19) VCF-style: chr19-15299947-T-A.
Other names: short protein forms T411S.
Identifiers: ClinVar variation 3300503 (VCV003300503.2).